The following is an entry in ClinVar:

NM_001365951.3(KIF1B):c.2270A>G (p.His757Arg)

Gene: KIF1B (kinesin family member 1B; plus strand). Cytogenetic location: 1p36.22.
Variant type: single nucleotide variant.
Coding change: c.2270A>G on transcript NM_001365951.3 (MANE Select); coding-DNA position 2270, A replaced by G.
Protein change: p.His757Arg; replaces histidine 757 with arginine.
Molecular consequence: missense variant.
Genome position (GRCh38, 1-based): chr1:10,321,769, A>G. VCF-style: chr1-10321769-A-G. GRCh37 (hg19) VCF-style: chr1-10381827-A-G.
Other names: c.2270A>G, p.His757Arg (NM_001365952.1); c.2132A>G, p.His711Arg (NM_015074.3); short protein forms H757R, H711R.
Identifiers: ClinVar variation 4043036 (VCV004043036.2).

ClinVar aggregate classification (germline): Uncertain significance. Review status: criteria provided, multiple submitters, no conflicts (2 of 4 stars). 2 submissions from 2 submitters: Uncertain significance (2). Last evaluated 2025-05-18.

Conditions:
Charcot-Marie-Tooth disease type 2. Also called: Charcot-Marie-Tooth type 2. Identifiers: Orphanet 64746, MedGen C0270914, MONDO:0018993.

Submissions (2):

Ambry Genetics
Classification: Uncertain significance. Last evaluated: 2025-05-18. Review status: criteria provided, single submitter. Criteria: Ambry Variant Classification Scheme 2023. Collection method: clinical testing. Allele origin: germline.
Comment: The p.H711R variant (also known as c.2132A>G), located in coding exon 21 of the KIF1B gene, results from an A to G substitution at nucleotide position 2132. The histidine at codon 711 is replaced by arginine, an amino acid with highly similar properties. This amino acid position is conserved. In addition, this alteration is predicted to be deleterious by in silico analysis. Based on the available evidence, the clinical significance of this variant remains unclear.

Labcorp Genetics (formerly Invitae), Labcorp
Classification: Uncertain significance for Charcot-Marie-Tooth disease type 2. Last evaluated: 2025-04-23. Review status: criteria provided, single submitter. Criteria: Invitae Variant Classification Sherloc (09022015). Collection method: clinical testing. Allele origin: germline.
Comment: This sequence change replaces histidine, which is basic and polar, with arginine, which is basic and polar, at codon 711 of the KIF1B protein (p.His711Arg). This variant is not present in population databases (gnomAD no frequency). This variant has not been reported in the literature in individuals affected with KIF1B-related conditions. Invitae Evidence Modeling of protein sequence and biophysical properties (such as structural, functional, and spatial information, amino acid conservation, physicochemical variation, residue mobility, and thermodynamic stability) indicates that this missense variant is not expected to disrupt KIF1B protein function with a negative predictive value of 80%. In summary, the available evidence is currently insufficient to determine the role of this variant in disease. Therefore, it has been classified as a Variant of Uncertain Significance.